The following is an entry in ClinVar:

NR_001564.3(XIST):n.597_598delTT

Gene: XIST (X inactive specific transcript; minus strand). Cytogenetic location: Xq13.2.
Variant type: Deletion.
Genome position: GRCh38 VCF-style: chrX-73852105-TAA-T. GRCh37 (hg19) VCF-style: chrX-73071940-TAA-T.
Identifiers: ClinVar variation 3038714 (VCV003038714.2), dbSNP rs36033063, ClinGen allele CA10454010.

ClinVar aggregate classification (germline): Likely benign (0 of 4 stars; one submission).

Conditions:
XIST-related disorder. Also called: XIST-related condition.

Submission:

PreventionGenetics, part of Exact Sciences
Classification: Likely benign for XIST-related condition. Last evaluated: 2019-04-15. Review status: no assertion criteria provided. Collection method: clinical testing. Allele origin: germline.
Comment: This variant is classified as likely benign based on ACMG/AMP sequence variant interpretation guidelines (Richards et al. 2015 PMID: 25741868, with internal and published modifications).